The following is an entry in ClinVar:

NM_006306.4(SMC1A):c.275G>C (p.Arg92Pro)

Gene: SMC1A (structural maintenance of chromosomes 1A; minus strand). Cytogenetic location: Xp11.22.
Variant type: single nucleotide variant.
Coding change: c.275G>C on transcript NM_006306.4 (MANE Select); coding-DNA position 275, G replaced by C.
Protein change: p.Arg92Pro; replaces arginine 92 with proline.
Molecular consequence: missense variant.
Genome position (GRCh38, 1-based): chrX:53,415,004, C>G on the plus strand (G>C on the coding strand, the complement: SMC1A is on the minus strand). VCF-style: chrX-53415004-C-G. GRCh37 (hg19) VCF-style: chrX-53441953-C-G.
Other names: c.209G>C, p.Arg70Pro (NM_001281463.1); short protein forms R70P, R92P.
Identifiers: ClinVar variation 1795669 (VCV001795669.2), dbSNP rs782788649, ClinGen allele CA413132131.
Genomic context (GRCh38, chrX:53,415,004, plus strand): 5'-AGGACCCAAGGAGAGCTTTCTGGCCAGCCTCACCCACCTACAATGACACGGGCAAAGGTA[C>G]GGTCCTCAGCACCCTCCTCAGAGTAGACCATGCTGACAAAGGCCCGGTTGGCAGCTGGCT-3'
Protein context (NP_006297.2, residues 82-102): MVYSEEGAED[Arg92Pro]TFARVIVGGS

ClinVar aggregate classification (germline): Uncertain significance (1 of 4 stars; one submission).

Conditions:
Inborn genetic diseases. Identifiers: MedGen C0950123, MeSH D030342.

Submission:

Ambry Genetics
Classification: Uncertain significance for Inborn genetic diseases. Last evaluated: 2018-05-16. Review status: criteria provided, single submitter. Criteria: Ambry Variant Classification Scheme 2023. Collection method: clinical testing. Allele origin: germline.
Comment: The p.R92P variant (also known as c.275G>C), located in coding exon 2 of the SMC1A gene, results from a G to C substitution at nucleotide position 275. The arginine at codon 92 is replaced by proline, an amino acid with dissimilar properties. This amino acid position is well conserved in available vertebrate species. In addition, the in silico prediction for this alteration is inconclusive. Since supporting evidence is limited at this time, the clinical significance of this alteration remains unclear.